The following is an entry in ClinVar:

ClinVar aggregate classification (germline): Uncertain significance (1 of 4 stars; one submission).

Allele frequency attached by ClinVar (database versions not stated): gnomAD exomes below 0.00001; gnomAD 0.00001; TOPMed 0.00001.
gnomAD v4.1: 2 of 1,611,442 alleles (0.00012%); highest among the groups gnomAD compares: Admixed American, 0.0017%; no homozygotes.

Submission:

Labcorp Genetics (formerly Invitae), Labcorp
Classification: Uncertain significance. Last evaluated: 2020-10-30. Review status: criteria provided, single submitter. Criteria: Invitae Variant Classification Sherloc (09022015). Collection method: clinical testing. Allele origin: germline.
Comment: In summary, the available evidence is currently insufficient to determine the role of this variant in disease. Therefore, it has been classified as a Variant of Uncertain Significance. Algorithms developed to predict the effect of missense changes on protein structure and function are either unavailable or do not agree on the potential impact of this missense change (SIFT: "Deleterious"; PolyPhen-2: "Benign"; Align-GVGD: "Class C0"). This variant has not been reported in the literature in individuals with RFX6-related conditions. This variant is not present in population databases (ExAC no frequency). This sequence change replaces isoleucine with leucine at codon 314 of the RFX6 protein (p.Ile314Leu). The isoleucine residue is highly conserved and there is a small physicochemical difference between isoleucine and leucine.

NM_173560.4(RFX6):c.940A>C (p.Ile314Leu)

Gene: RFX6 (regulatory factor X6; plus strand). Cytogenetic location: 6q22.1.
Variant type: single nucleotide variant.
Coding change: c.940A>C on transcript NM_173560.4 (MANE Select); coding-DNA position 940, A replaced by C.
Protein change: p.Ile314Leu; replaces isoleucine 314 with leucine.
Molecular consequence: missense variant.
Genome position (GRCh38, 1-based): chr6:116,916,282, A>C. VCF-style: chr6-116916282-A-C. GRCh37 (hg19) VCF-style: chr6-117237445-A-C.
Other names: short protein forms I314L.
Identifiers: ClinVar variation 1046101 (VCV001046101.8), dbSNP rs1775461880, ClinGen allele CA365432585.